The following is an entry in ClinVar:

ClinVar aggregate classification (germline): Pathogenic/Likely pathogenic. Review status: criteria provided, multiple submitters, no conflicts (2 of 4 stars). 5 submissions from 5 submitters: Pathogenic (2); Likely pathogenic (2). 1 of the submissions does not count toward it. Last evaluated 2022-01-01.

Conditions:
BEST1-related disorder. Also called: BEST1-related disorders; BEST1-related condition. Identifiers: MedGen CN239200.
Autosomal recessive bestrophinopathy. Also called: Autosomal Recessive Bestrophinopathy (ARB). Identifiers: Orphanet 139455, MedGen C3888198, MONDO:0012733, OMIM 611809.
Retinal dystrophy. Also called: Inherited retinal dystrophy. Identifiers: Orphanet 71862, MedGen C0854723, MeSH D058499, MONDO:0019118, HP:0000556.

Allele frequency attached by ClinVar (database versions not stated): gnomAD exomes below 0.00001; ExAC 0.00001.
gnomAD v4.1: 3 of 1,614,080 alleles (0.00019%); highest among the groups gnomAD compares: Non-Finnish European, 0.00017%; no homozygotes.

Submissions (5):

Institute of Human Genetics, Univ. Regensburg, Univ. Regensburg
Classification: Pathogenic for Retinal dystrophy. Last evaluated: 2022-01-01. Review status: criteria provided, single submitter. Criteria: ACMG Guidelines, 2015. Collection method: clinical testing. Allele origin: germline. Affected: yes.

GeneDx
Classification: Pathogenic. Last evaluated: 2021-03-24. Review status: criteria provided, single submitter. Criteria: GeneDx Variant Classification Process June 2021. Collection method: clinical testing. Allele origin: germline. Affected: yes.
Comment: Nonsense variant predicted to result in protein truncation or nonsense mediated decay in a gene for which loss-of-function is a known mechanism of disease; Not observed at a significant frequency in large population cohorts (Lek et al., 2016); This variant is associated with the following publications: (PMID: 31766397, 30457648)

Institute of Medical Molecular Genetics, University of Zurich
Classification: Likely pathogenic for Autosomal recessive bestrophinopathy. Last evaluated: 2021-01-30. Review status: criteria provided, single submitter. Criteria: ACMG Guidelines, 2015. Collection method: clinical testing. Allele origin: germline. Affected: yes.

Blueprint Genetics
Classification: Likely pathogenic for BEST1-related disorders. Last evaluated: 2019-12-11. Review status: criteria provided, single submitter. Criteria: ACMG Guidelines, 2015. Collection method: clinical testing. Allele origin: germline. Affected: yes. Observed: 1 variant allele.

Bioscientia Institut fuer Medizinische Diagnostik GmbH, Sonic Healthcare
Classification: Pathogenic for Autosomal recessive bestrophinopathy. Last evaluated: 2017-09-18. Review status: no assertion criteria provided. Collection method: clinical testing. Allele origin: germline. Affected: yes. Not counted in ClinVar's aggregate classification.

Literature cited by the submitters: PubMed 30457648 (cited by Institute of Human Genetics, Univ. Regensburg, Univ. Regensburg); PubMed 31766397 (cited by Institute of Human Genetics, Univ. Regensburg, Univ. Regensburg); PubMed 32147488 (cited by Institute of Human Genetics, Univ. Regensburg, Univ. Regensburg).

NM_004183.4(BEST1):c.658C>T (p.Gln220Ter)

Gene: BEST1 (bestrophin 1; plus strand). Cytogenetic location: 11q12.3.
Variant type: single nucleotide variant.
Coding change: c.658C>T on transcript NM_004183.4 (MANE Select); coding-DNA position 658, C replaced by T.
Protein change: p.Gln220Ter; replaces glutamine 220 with a stop codon.
Molecular consequence: nonsense. On other transcripts: non-coding transcript variant (1).
Genome position (GRCh38, 1-based): chr11:61,957,408, C>T. VCF-style: chr11-61957408-C-T. GRCh37 (hg19) VCF-style: chr11-61724880-C-T.
Other names: c.478C>T, p.Gln160Ter (NM_001139443.3, NM_001300786.2, NM_001300787.2); c.340C>T, p.Gln114Ter (NM_001363591.3); c.658C>T, p.Gln220Ter (NM_001363592.2); c.-518C>T (NM_001363593.3); short protein forms Q220*, Q114*, Q160*.
Identifiers: ClinVar variation 422323 (VCV000422323.7), dbSNP rs775283269, ClinGen allele CA6040815.
Genomic context (GRCh38, chr11:61,957,408, plus strand): 5'-GTGGTGTTCAGAACCCCATCCCCCTCTTCTGCCCCCCAGGAGATGAACACCTTGCGTACT[C>T]AGTGTGGACACCTGTATGCCTACGACTGGATTAGTATCCCACTGGTGTATACACAGGTGA-3'